The following is an entry in ClinVar:

NM_005876.5(SPEG):c.3134C>T (p.Thr1045Met)

Gene: SPEG (striated muscle enriched protein kinase; plus strand). Cytogenetic location: 2q35.
Variant type: single nucleotide variant.
Coding change: c.3134C>T on transcript NM_005876.5 (MANE Select); coding-DNA position 3134, C replaced by T.
Protein change: p.Thr1045Met; replaces threonine 1045 with methionine.
Molecular consequence: missense variant.
Genome position (GRCh38, 1-based): chr2:219,467,426, C>T. VCF-style: chr2-219467426-C-T. GRCh37 (hg19) VCF-style: chr2-220332148-C-T.
Other names: short protein forms T1045M.
Identifiers: ClinVar variation 1028948 (VCV001028948.2), dbSNP rs62191886, ClinGen allele CA66016869.

ClinVar aggregate classification (germline): Uncertain significance. Review status: criteria provided, multiple submitters, no conflicts (2 of 4 stars). 2 submissions from 2 submitters: Uncertain significance (2). Last evaluated 2025-06-07.

Conditions:
Inborn genetic diseases. Identifiers: MedGen C0950123, MeSH D030342.
Myopathy, centronuclear, 5 (CNM5). Identifiers: Orphanet 169186, MedGen C4014814, MONDO:0014418, OMIM 615959.

Allele frequency attached by ClinVar (database versions not stated): gnomAD exomes 0.00003 and below 0.00001; TOPMed 0.00003; gnomAD 0.00001; ESP Exome Variant Server 0.00008.
gnomAD v4.1: 38 of 1,600,800 alleles (0.0024%); highest among the groups gnomAD compares: Non-Finnish European, 0.0031%; no homozygotes.

Submissions (2):

Ambry Genetics
Classification: Uncertain significance for Inborn genetic diseases. Last evaluated: 2025-06-07. Review status: criteria provided, single submitter. Criteria: Ambry Variant Classification Scheme 2023. Collection method: clinical testing. Allele origin: germline.

Baylor Genetics
Classification: Uncertain significance for Myopathy, centronuclear, 5. Last evaluated: 2019-07-21. Review status: criteria provided, single submitter. Criteria: ACMG Guidelines, 2015. Collection method: clinical testing. Allele origin: unknown. Affected: yes.
Comment: This variant was determined to be of uncertain significance according to ACMG Guidelines, 2015 [PMID:25741868].